The following is an entry in ClinVar:

ClinVar aggregate classification (germline): Uncertain significance (1 of 4 stars; one submission).

Submission:

Labcorp Genetics (formerly Invitae), Labcorp
Classification: Uncertain significance. Last evaluated: 2021-11-14. Review status: criteria provided, single submitter. Criteria: Invitae Variant Classification Sherloc (09022015). Collection method: clinical testing. Allele origin: germline.
Comment: This variant is not present in population databases (gnomAD no frequency). This sequence change replaces serine, which is neutral and polar, with glycine, which is neutral and non-polar, at codon 1753 of the SCN3A protein (p.Ser1753Gly). This variant has not been reported in the literature in individuals affected with SCN3A-related conditions. Algorithms developed to predict the effect of missense changes on protein structure and function are either unavailable or do not agree on the potential impact of this missense change (SIFT: "Deleterious"; PolyPhen-2: "Probably Damaging"; Align-GVGD: "Class C0"). In summary, the available evidence is currently insufficient to determine the role of this variant in disease. Therefore, it has been classified as a Variant of Uncertain Significance.

NM_006922.4(SCN3A):c.5257A>G (p.Ser1753Gly)

Gene: SCN3A (sodium voltage-gated channel alpha subunit 3; minus strand). Cytogenetic location: 2q24.3.
Variant type: single nucleotide variant.
Coding change: c.5257A>G on transcript NM_006922.4 (MANE Select); coding-DNA position 5257, A replaced by G.
Protein change: p.Ser1753Gly; replaces serine 1753 with glycine.
Molecular consequence: missense variant.
Genome position (GRCh38, 1-based): chr2:165,090,896, T>C on the plus strand (A>G on the coding strand, the complement: SCN3A is on the minus strand). VCF-style: chr2-165090896-T-C. GRCh37 (hg19) VCF-style: chr2-165947406-T-C.
Other names: c.5110A>G, p.Ser1704Gly (NM_001081676.2, NM_001081677.2); short protein forms S1753G, S1704G.
Identifiers: ClinVar variation 1393246 (VCV001393246.6), dbSNP rs2105619871, ClinGen allele CA349016389.
Genomic context (GRCh38, chr2:165,090,896, plus strand): 5'-TCTCCAGGATGACCGCGATGTACATGTTCACCACAACCAGGAAGGATATGATGATGTAAC[T>C]GACAAAAAAGAAAATCCCAACAGATGGGTTCCCACAGTCTCCCTTAACTGAGCTGCCAGG-3'
Protein context (NP_008853.3, residues 1743-1763): NPSVGIFFFV[Ser1753Gly]YIIISFLVVV